The following is an entry in ClinVar:

NM_133433.4(NIPBL):c.941T>C (p.Ile314Thr)

Gene: NIPBL (NIPBL cohesin loading factor; plus strand). Cytogenetic location: 5p13.2.
Variant type: single nucleotide variant.
Coding change: c.941T>C on transcript NM_133433.4 (MANE Select); coding-DNA position 941, T replaced by C.
Protein change: p.Ile314Thr; replaces isoleucine 314 with threonine.
Molecular consequence: missense variant.
Genome position (GRCh38, 1-based): chr5:36,975,848, T>C. VCF-style: chr5-36975848-T-C. GRCh37 (hg19) VCF-style: chr5-36975950-T-C.
Other names: c.941T>C (NM_133433.3); c.941T>C, p.Ile314Thr (NM_015384.5); short protein forms I314T.
Identifiers: ClinVar variation 2414369 (VCV002414369.12), dbSNP rs368151265, ClinGen allele CA3235969.

ClinVar aggregate classification (germline): Conflicting classifications of pathogenicity. Review status: criteria provided, conflicting classifications (1 of 4 stars). 5 submissions from 5 submitters: Uncertain significance (4); Likely benign (1). Last evaluated 2024-11-27.

Conditions:
NIPBL-related disorder. Also called: NIPBL-related condition.
Inborn genetic diseases. Identifiers: MedGen C0950123, MeSH D030342.
Cornelia de Lange syndrome 1 (CDLS1). Also called: TYPUS DEGENERATIVUS AMSTELODAMENSIS; Brachmann de Lange syndrome; NIPBL-Related Cornelia de Lange Syndrome. Identifiers: Orphanet 199, MedGen C4551851, MONDO:0007387, OMIM 122470.

Allele frequency attached by ClinVar (database versions not stated): ExAC 0.00003; TOPMed 0.00006; gnomAD 0.00007; gnomAD exomes 0.00008; ESP Exome Variant Server 0.00015; 1000 Genomes Project 30x 0.00016; 1000 Genomes Project 0.00020.
gnomAD v4.1: 122 of 1,612,484 alleles (0.0076%); highest among the groups gnomAD compares: Non-Finnish European, 0.0092%; no homozygotes.

Submissions (5):

PreventionGenetics, part of Exact Sciences
Classification: Uncertain significance for NIPBL-related condition. Last evaluated: 2024-11-27. Review status: criteria provided, single submitter. Criteria: ACMG Guidelines, 2015. Collection method: clinical testing. Allele origin: germline.
Comment: The NIPBL c.941T>C variant is predicted to result in the amino acid substitution p.Ile314Thr. To our knowledge, this variant has not been reported in the literature. This variant is reported in 0.0070% of alleles in individuals of European (Non-Finnish) descent in gnomAD. At this time, the clinical significance of this variant is uncertain due to the absence of conclusive functional and genetic evidence.

Fulgent Genetics
Classification: Uncertain significance for Cornelia de Lange syndrome 1. Last evaluated: 2024-06-21. Review status: criteria provided, single submitter. Criteria: ACMG Guidelines, 2015. Collection method: clinical testing. Allele origin: germline.

Labcorp Genetics (formerly Invitae), Labcorp
Classification: Uncertain significance for Cornelia de Lange syndrome 1. Last evaluated: 2023-09-13. Review status: criteria provided, single submitter. Criteria: Invitae Variant Classification Sherloc (09022015). Collection method: clinical testing. Allele origin: germline.
Comment: This sequence change replaces isoleucine, which is neutral and non-polar, with threonine, which is neutral and polar, at codon 314 of the NIPBL protein (p.Ile314Thr). In summary, the available evidence is currently insufficient to determine the role of this variant in disease. Therefore, it has been classified as a Variant of Uncertain Significance. Advanced modeling of protein sequence and biophysical properties (such as structural, functional, and spatial information, amino acid conservation, physicochemical variation, residue mobility, and thermodynamic stability) performed at Invitae indicates that this missense variant is not expected to disrupt NIPBL protein function. ClinVar contains an entry for this variant (Variation ID: 2414369). This variant has not been reported in the literature in individuals affected with NIPBL-related conditions. This variant is present in population databases (rs368151265, gnomAD 0.006%).

Ambry Genetics
Classification: Likely benign for Inborn genetic diseases. Last evaluated: 2023-03-13. Review status: criteria provided, single submitter. Criteria: Ambry Variant Classification Scheme 2023. Collection method: clinical testing. Allele origin: germline.

Revvity Omics, Revvity
Classification: Uncertain significance for Cornelia de Lange syndrome 1. Last evaluated: 2020-10-04. Review status: criteria provided, single submitter. Criteria: ACMG Guidelines, 2015. Collection method: clinical testing. Allele origin: germline.